The following is an entry in ClinVar:

ClinVar aggregate classification (germline): Uncertain significance. Review status: criteria provided, multiple submitters, no conflicts (2 of 4 stars). 2 submissions from 2 submitters: Uncertain significance (2). Last evaluated 2024-01-30.

Allele frequency attached by ClinVar (database versions not stated): gnomAD exomes 0.00009; TOPMed 0.00010.
gnomAD v4.1: 138 of 1,613,820 alleles (0.0086%); highest among the groups gnomAD compares: Non-Finnish European, 0.011%; no homozygotes.

Submissions (2):

Ambry Genetics
Classification: Uncertain significance. Last evaluated: 2024-01-30. Review status: criteria provided, single submitter. Criteria: Ambry Variant Classification Scheme 2023. Collection method: clinical testing. Allele origin: germline.

Labcorp Genetics (formerly Invitae), Labcorp
Classification: Uncertain significance. Last evaluated: 2023-05-23. Review status: criteria provided, single submitter. Criteria: Invitae Variant Classification Sherloc (09022015). Collection method: clinical testing. Allele origin: germline.
Comment: This sequence change replaces arginine, which is basic and polar, with histidine, which is basic and polar, at codon 1562 of the KIAA0556 protein (p.Arg1562His). This variant is present in population databases (rs745963939, gnomAD 0.01%). This variant has not been reported in the literature in individuals affected with KIAA0556-related conditions. ClinVar contains an entry for this variant (Variation ID: 2139720). Algorithms developed to predict the effect of missense changes on protein structure and function output the following: SIFT: "Not Available"; PolyPhen-2: "Benign"; Align-GVGD: "Not Available". The histidine amino acid residue is found in multiple mammalian species, which suggests that this missense change does not adversely affect protein function. In summary, the available evidence is currently insufficient to determine the role of this variant in disease. Therefore, it has been classified as a Variant of Uncertain Significance.

NM_015202.5(KATNIP):c.4685G>A (p.Arg1562His)

Gene: KATNIP (katanin interacting protein; plus strand). Cytogenetic location: 16p12.1.
Variant type: single nucleotide variant.
Coding change: c.4685G>A on transcript NM_015202.5 (MANE Select); coding-DNA position 4685, G replaced by A.
Protein change: p.Arg1562His; replaces arginine 1562 with histidine.
Molecular consequence: missense variant.
Genome position (GRCh38, 1-based): chr16:27,777,743, G>A. VCF-style: chr16-27777743-G-A. GRCh37 (hg19) VCF-style: chr16-27789064-G-A.
Other names: c.4685G>A (NM_015202.2); short protein forms R1562H.
Identifiers: ClinVar variation 2139720 (VCV002139720.3), dbSNP rs745963939, ClinGen allele CA7978720.